The following is an entry in ClinVar:

ClinVar aggregate classification (germline): Uncertain significance. Review status: criteria provided, multiple submitters, no conflicts (2 of 4 stars). 2 submissions from 2 submitters: Uncertain significance (2). Last evaluated 2024-09-20.

Allele frequency attached by ClinVar (database versions not stated): TOPMed 0.00002.
gnomAD v4.1: 31 of 1,613,366 alleles (0.0019%); highest among the groups gnomAD compares: Non-Finnish European, 0.0026%; no homozygotes.

Submissions (2):

Blueprint Genetics
Classification: Uncertain significance. Last evaluated: 2024-09-20. Review status: criteria provided, single submitter. Criteria: ACMG Guidelines, 2015. Collection method: clinical testing. Allele origin: germline.

Women's Health and Genetics/Laboratory Corporation of America, LabCorp
Classification: Uncertain significance. Last evaluated: 2023-12-26. Review status: criteria provided, single submitter. Criteria: LabCorp Variant Classification Summary - May 2015. Collection method: clinical testing. Allele origin: germline.
Comment: Variant summary: ADCY1 c.1234C>A (p.Arg412Ser) results in a non-conservative amino acid change located in the Adenylyl cyclase class-3/4/guanylyl cyclase (IPR001054) of the encoded protein sequence. Five of five in-silico tools predict a damaging effect of the variant on protein function. The variant allele was found at a frequency of 4.4e-05 in 250734 control chromosomes. To our knowledge, no occurrence of c.1234C>A in individuals affected with Autosomal Recessive Nonsyndromic Hearing Loss 44 and no experimental evidence demonstrating its impact on protein function have been reported. No submitters have cited clinical-significance assessments for this variant to ClinVar after 2014. Based on the evidence outlined above, the variant was classified as uncertain significance.

NM_021116.4(ADCY1):c.1234C>A (p.Arg412Ser)

Gene: ADCY1 (adenylate cyclase 1; plus strand). Cytogenetic location: 7p12.3.
Variant type: single nucleotide variant.
Coding change: c.1234C>A on transcript NM_021116.4 (MANE Select); coding-DNA position 1234, C replaced by A.
Protein change: p.Arg412Ser; replaces arginine 412 with serine.
Molecular consequence: missense variant.
Genome position (GRCh38, 1-based): chr7:45,657,812, C>A. VCF-style: chr7-45657812-C-A. GRCh37 (hg19) VCF-style: chr7-45697411-C-A.
Other names: c.559C>A, p.Arg187Ser (NM_001281768.2); short protein forms R187S, R412S.
Identifiers: ClinVar variation 2691414 (VCV002691414.2), dbSNP rs536487311, ClinGen allele CA4248899.